The following is an entry in ClinVar:

NM_001367873.1(SOX6):c.811A>G (p.Ile271Val)

Genes: SOX6 (SRY-box transcription factor 6; minus strand), LOC128772343 (melanoma risk locus-associated MPRA allelic enhancer 11:16133413; plus strand). Cytogenetic location: 11p15.2.
Variant type: single nucleotide variant.
Coding change: c.811A>G on transcript NM_001367873.1 (MANE Select); coding-DNA position 811, A replaced by G.
Protein change: p.Ile271Val; replaces isoleucine 271 with valine.
Molecular consequence: missense variant.
Genome position (GRCh38, 1-based): chr11:16,111,890, T>C on the plus strand (A>G on the coding strand, the complement: SOX6 is on the minus strand). VCF-style: chr11-16111890-T-C. GRCh37 (hg19) VCF-style: chr11-16133436-T-C.
Other names: c.811A>G, p.Ile271Val (NM_001145811.2, NM_001145819.2, NM_001367872.1 and 2 more transcripts); short protein forms I271V.
Identifiers: ClinVar variation 2430629 (VCV002430629.1), dbSNP rs1849239700, ClinGen allele CA379875657.

ClinVar aggregate classification (germline): Likely pathogenic (1 of 4 stars; one submission).

Allele frequency attached by ClinVar (database versions not stated): gnomAD exomes below 0.00001; TOPMed below 0.00001.
gnomAD v4.1: 2 of 1,612,546 alleles (0.00012%); highest among the groups gnomAD compares: Non-Finnish European, 0.000085%; no homozygotes.

Submission:

GeneDx
Classification: Likely pathogenic. Last evaluated: 2023-02-20. Review status: criteria provided, single submitter. Criteria: GeneDx Variant Classification Process June 2021. Collection method: clinical testing. Allele origin: germline. Affected: yes.
Comment: Not observed at significant frequency in large population cohorts (gnomAD); In silico analysis supports that this missense variant does not alter protein structure/function; Has not been previously published as pathogenic or benign to our knowledge; This variant is associated with the following publications: (PMID: 27535533)